The following is an entry in ClinVar:

ClinVar aggregate classification (germline): Likely benign (1 of 4 stars; one submission).

Allele frequency attached by ClinVar (database versions not stated): gnomAD exomes below 0.00001; TOPMed 0.00001.
gnomAD v4.1: 3 of 1,614,182 alleles (0.00019%); highest among the groups gnomAD compares: Non-Finnish European, 0.00025%; no homozygotes.

Submission:

CeGaT Center for Human Genetics Tuebingen
Classification: Likely benign. Last evaluated: 2022-03-01. Review status: criteria provided, single submitter. Criteria: CeGaT Center For Human Genetics Tuebingen Variant Classification Criteria Version 2. Collection method: clinical testing. Allele origin: germline. Affected: yes. Observed: 1 variant allele.
Comment: ZC3H14: PM2:Supporting, BP4, BP7

NM_024824.5(ZC3H14):c.2184A>G (p.Lys728=)

Gene: ZC3H14 (zinc finger CCCH-type containing 14; plus strand). Cytogenetic location: 14q31.3.
Variant type: single nucleotide variant.
Coding change: c.2184A>G on transcript NM_024824.5 (MANE Select); coding-DNA position 2184, A replaced by G.
Protein change: p.Lys728=; no amino-acid change (lysine 728 retained).
Molecular consequence: synonymous variant. On other transcripts: non-coding transcript variant (1).
Genome position (GRCh38, 1-based): chr14:88,610,920, A>G. VCF-style: chr14-88610920-A-G. GRCh37 (hg19) VCF-style: chr14-89077264-A-G.
Other names: c.2082A>G, p.Lys694= (NM_001326297.2); c.1716A>G, p.Lys572= (NM_001326298.2, NM_001326302.2); c.2091A>G, p.Lys697= (NM_001326299.2); c.1719A>G, p.Lys573= (NM_001326300.2); c.2007A>G, p.Lys669= (NM_001326301.2); c.1611A>G, p.Lys537= (NM_001326303.2); c.1323A>G, p.Lys441= (NM_001326304.2); c.1644A>G, p.Lys548= (NM_001326305.2); and 17 more.
Identifiers: ClinVar variation 2644441 (VCV002644441.24), dbSNP rs1442509689, ClinGen allele CA487280459.